The following is an entry in ClinVar:

NM_000064.4(C3):c.588G>A (p.Pro196=)

Gene: C3 (complement C3; minus strand). Cytogenetic location: 19p13.3.
Variant type: single nucleotide variant.
Coding change: c.588G>A on transcript NM_000064.4 (MANE Select); coding-DNA position 588, G replaced by A.
Protein change: p.Pro196=; no amino-acid change (proline 196 retained).
Molecular consequence: synonymous variant.
Genome position (GRCh38, 1-based): chr19:6,714,363, C>T on the plus strand (G>A on the coding strand, the complement: C3 is on the minus strand). VCF-style: chr19-6714363-C-T. GRCh37 (hg19) VCF-style: chr19-6714374-C-T.
Other names: p.Pro196=; c.588G>A (LRG_27t1).
Identifiers: ClinVar variation 330339 (VCV000330339.24), dbSNP rs150007726, ClinGen allele CA9129774.

ClinVar aggregate classification (germline): Benign/Likely benign. Review status: criteria provided, multiple submitters, no conflicts (2 of 4 stars). 9 submissions from 7 submitters: Benign (8); Likely benign (1). Last evaluated 2026-02-03.

Conditions:
Atypical hemolytic-uremic syndrome. Identifiers: Orphanet 2134, MedGen C2931788, MONDO:0016244.
Complement component 3 deficiency. Identifiers: Orphanet 280133, MedGen C3151071, MONDO:0013417, OMIM 613779.
Age related macular degeneration 9. Identifiers: MedGen C1969651, MONDO:0012659, OMIM 611378.
Atypical hemolytic-uremic syndrome with C3 anomaly. Also called: AHUS, SUSCEPTIBILITY TO, 5. Identifiers: Orphanet 2134, MedGen C2752037, MONDO:0013043, OMIM 612925.

Allele frequency attached by ClinVar (database versions not stated): gnomAD 0.00403 and 0.00440; TOPMed 0.00425; 1000 Genomes Project 30x 0.00484; 1000 Genomes Project 0.00519; ESP Exome Variant Server 0.00577; gnomAD exomes 0.00649 and 0.00667; ExAC 0.00678.
gnomAD v4.1: 10,415 of 1,613,668 alleles (0.65%); highest among the groups gnomAD compares: South Asian, 1.5%; 70 homozygotes.

Submissions (10):

Labcorp Genetics (formerly Invitae), Labcorp
Classification: Benign. Last evaluated: 2026-02-03. Review status: criteria provided, single submitter. Criteria: Invitae Variant Classification Sherloc (09022015). Collection method: clinical testing. Allele origin: germline.

Blueprint Genetics
Classification: Likely benign. Last evaluated: 2024-11-28. Review status: criteria provided, single submitter. Criteria: ACMG Guidelines, 2015. Collection method: clinical testing. Allele origin: germline.

Mayo Clinic Laboratories, Mayo Clinic
Classification: Benign. Last evaluated: 2024-11-06. Review status: criteria provided, single submitter. Criteria: ACMG Guidelines, 2015. Collection method: clinical testing. Allele origin: germline. Observed: 39 variant alleles.
Comment: BS1, BS2, BP4, BP7

Genome Diagnostics Laboratory, The Hospital for Sick Children
Classification: Benign for Atypical hemolytic-uremic syndrome. Last evaluated: 2021-11-22. Review status: criteria provided, single submitter. Criteria: ACMG Guidelines, 2015. Collection method: clinical testing. Allele origin: germline.

Genetic Services Laboratory, University of Chicago
Classification: Benign. Last evaluated: 2018-10-11. Review status: criteria provided, single submitter. Criteria: ACMG Guidelines, 2015. Collection method: clinical testing. Allele origin: germline. Affected: no.

Illumina Laboratory Services, Illumina
Classification: Benign for Atypical hemolytic-uremic syndrome with C3 anomaly. Last evaluated: 2018-01-13. Review status: criteria provided, single submitter. Criteria: ICSL Variant Classification Criteria 13 December 2019. Collection method: clinical testing. Allele origin: germline.
Comment: This variant was observed in the ICSL laboratory as part of a predisposition screen in an ostensibly healthy population. It had not been previously curated by ICSL or reported in the Human Gene Mutation Database (HGMD: prior to June 1st, 2018), and was therefore a candidate for classification through an automated scoring system. Utilizing variant allele frequency, disease prevalence and penetrance estimates, and inheritance mode, an automated score was calculated to assess if this variant is too frequent to cause the disease. Based on the score and internal cut-off values, a variant classified as benign is not then subjected to further curation. The score for this variant resulted in a classification of benign for this disease.

Illumina Laboratory Services, Illumina
Classification: Benign for Age related macular degeneration 9. Last evaluated: 2018-01-13. Review status: criteria provided, single submitter. Criteria: ICSL Variant Classification Criteria 13 December 2019. Collection method: clinical testing. Allele origin: germline.
Comment: the same text as in the submission from Illumina Laboratory Services, Illumina above.

Illumina Laboratory Services, Illumina
Classification: Benign for Complement component 3 deficiency. Last evaluated: 2018-01-13. Review status: criteria provided, single submitter. Criteria: ICSL Variant Classification Criteria 13 December 2019. Collection method: clinical testing. Allele origin: germline.
Comment: the same text as in the submission from Illumina Laboratory Services, Illumina above.

Breakthrough Genomics
Classification: Benign. Review status: criteria provided, single submitter. Criteria: ACMG Guidelines, 2015. Collection method: not provided. Allele origin: germline. Inheritance: Autosomal recessive inheritance. Affected: yes.

Dr. Peter K. Rogan Lab, Western University
No classification provided (evidence only). Condition: Cervical cancer. Review status: no classification provided. Collection method: in vitro. Allele origin: not applicable. Functional consequence: retained intron. Not counted in ClinVar's aggregate classification.